The following is an entry in ClinVar:

NM_000743.5(CHRNA3):c.1472C>T (p.Thr491Ile)

Gene: CHRNA3 (cholinergic receptor nicotinic alpha 3 subunit; minus strand). Cytogenetic location: 15q25.1.
Variant type: single nucleotide variant.
Coding change: c.1472C>T on transcript NM_000743.5 (MANE Select); coding-DNA position 1472, C replaced by T.
Protein change: p.Thr491Ile; replaces threonine 491 with isoleucine.
Molecular consequence: missense variant. On other transcripts: non-coding transcript variant (1), intron variant (1).
Genome position (GRCh38, 1-based): chr15:78,596,650, G>A on the plus strand (C>T on the coding strand, the complement: CHRNA3 is on the minus strand). VCF-style: chr15-78596650-G-A. GRCh37 (hg19) VCF-style: chr15-78888992-G-A.
Other names: c.1390-3459C>T (NM_001166694.2); short protein forms T491I.
Identifiers: ClinVar variation 422608 (VCV000422608.3), dbSNP rs774559139, ClinGen allele CA7684231.

ClinVar aggregate classification (germline): Uncertain significance (1 of 4 stars; one submission).

Allele frequency attached by ClinVar (database versions not stated): gnomAD exomes below 0.00001; ExAC 0.00001.
gnomAD v4.1: 1 of 1,612,402 alleles (0.000062%); highest among the groups gnomAD compares: Non-Finnish European, 0.000085%; no homozygotes.

Submission:

GeneDx
Classification: Uncertain significance. Last evaluated: 2024-06-12. Review status: criteria provided, single submitter. Criteria: GeneDx Variant Classification Process June 2021. Collection method: clinical testing. Allele origin: germline. Affected: yes.
Comment: In silico analysis supports that this missense variant has a deleterious effect on protein structure/function; Has not been previously published as pathogenic or benign to our knowledge